The following is an entry in ClinVar:

ClinVar aggregate classification (germline): Likely benign. Review status: criteria provided, multiple submitters, no conflicts (2 of 4 stars). 3 submissions from 3 submitters: Likely benign (3). Last evaluated 2023-09-05.

Conditions:
Hereditary cancer-predisposing syndrome. Also called: Neoplastic Syndromes, Hereditary; Hereditary neoplastic syndrome; Tumor predisposition; Hereditary Cancer Syndrome. Identifiers: Orphanet 140162, MedGen C0027672, MeSH D009386, MONDO:0015356.
Hereditary breast ovarian cancer syndrome. Also called: Hereditary breast and ovarian cancer syndrome; Hereditary breast and ovarian cancer syndrome (HBOC); Hereditary breast and/or ovarian cancer syndrome; Hereditary breast and ovarian cancer; Breast and ovarian cancer; BRCA1- and BRCA2-Associated Hereditary Breast and Ovarian Cancer. Identifiers: Orphanet 145, MedGen C0677776, MeSH D061325, MONDO:0003582. Disease mechanism: loss of function.
Breast-ovarian cancer, familial, susceptibility to, 2 (BROVCA2). Also called: BRCA2 Hereditary Breast and Ovarian Cancer. Identifiers: Orphanet 145, MedGen C2675520, MONDO:0012933, OMIM 612555. Disease mechanism: loss of function.

Allele frequency attached by ClinVar (database versions not stated): gnomAD exomes below 0.00001; ExAC 0.00001.
gnomAD v4.1: 1 of 1,614,010 alleles (0.000062%); highest among the groups gnomAD compares: African/African-American, 0.0013%; no homozygotes.

Submissions (3):

Labcorp Genetics (formerly Invitae), Labcorp
Classification: Likely benign for Hereditary breast ovarian cancer syndrome. Last evaluated: 2023-09-05. Review status: criteria provided, single submitter. Criteria: Invitae Variant Classification Sherloc (09022015). Collection method: clinical testing. Allele origin: germline.

All of Us Research Program, National Institutes of Health
Classification: Likely benign for Breast-ovarian cancer, familial, susceptibility to, 2. Last evaluated: 2023-05-16. Review status: criteria provided, single submitter. Criteria: ACMG Guidelines, 2015. Collection method: clinical testing. Allele origin: germline. Inheritance: Autosomal dominant inheritance. Observed: 1 variant allele, 1 heterozygote.
Comment: This study involves interpretation of variants in research participants for the purpose of population health screening. Participant phenotype was not available at the time of variant classification. Additional details can be found in publication PMID: 35346344, PMCID: PMC8962531

Ambry Genetics
Classification: Likely benign for Hereditary cancer-predisposing syndrome. Last evaluated: 2021-06-03. Review status: criteria provided, single submitter. Criteria: Ambry Variant Classification Scheme 2023. Collection method: clinical testing. Allele origin: germline.

NM_000059.4(BRCA2):c.7200C>A (p.Gly2400=)

Gene: BRCA2 (BRCA2 DNA repair associated; plus strand). Cytogenetic location: 13q13.1.
Variant type: single nucleotide variant.
Coding change: c.7200C>A on transcript NM_000059.4 (MANE Select); coding-DNA position 7200, C replaced by A.
Protein change: p.Gly2400=; no amino-acid change (glycine 2400 retained).
Molecular consequence: synonymous variant.
Genome position (GRCh38, 1-based): chr13:32,355,053, C>A. VCF-style: chr13-32355053-C-A. GRCh37 (hg19) VCF-style: chr13-32929190-C-A.
Identifiers: ClinVar variation 1132641 (VCV001132641.14), dbSNP rs766705361, ClinGen allele CA6941069.